The following is an entry in ClinVar:

NM_005633.4(SOS1):c.1465_1466insTTAAGAAAAGTTTTAAAGAAAAACTTTTAAAGAAACTTTTAAAGAAAA (p.Arg489delinsLeuLysLysSerPheLysGluLysLeuLeuLysLysLeuLeuLysLysSer)

Gene: SOS1 (SOS Ras/Rac guanine nucleotide exchange factor 1; minus strand). Cytogenetic location: 2p22.1.
Variant type: Insertion.
Coding change: c.1465_1466insTTAAGAAAAGTTTTAAAGAAAAACTTTTAAAGAAACTTTTAAAGAAAA on transcript NM_005633.4 (MANE Select); coding-DNA positions 1465 to 1466, TTAAGAAAAGTTTTAAAGAAAAACTTTTAAAGAAACTTTTAAAGAAAA inserted.
Protein change: p.Arg489delinsLeuLysLysSerPheLysGluLysLeuLeuLysLysLeuLeuLysLysSer.
Molecular consequence: inframe indel.
Genome position: GRCh38: chr2:39,022,962-39,022,963. GRCh37 (hg19): chr2:39,250,103-39,250,104.
Other names: c.1444_1445insTTAAGAAAAGTTTTAAAGAAAAACTTTTAAAGAAACTTTTAAAGAAAA, p.Arg482delinsLeuLysLysSerPheLysGluLysLeuLeuLysLysLeuLeuLysLysSer (NM_001382394.1); c.1465_1466insTTAAGAAAAGTTTTAAAGAAAAACTTTTAAAGAAACTTTTAAAGAAAA, p.Arg489delinsLeuLysLysSerPheLysGluLysLeuLeuLysLysLeuLeuLysLysSer (NM_001382395.1).
Identifiers: ClinVar variation 4974567 (VCV004974567.1).
Genomic context (GRCh38, chr2:39,022,962, plus strand): 5'-TCATTGGTGTCATCTTTATCATTAATTTGTACCTTTCGCATAAAAAACTTTTCTTTAAGA[C>CTTTTCTTTAAAAGTTTCTTTAAAAGTTTTTCTTTAAAACTTTTCTTAA]GATATTCTGCATTGCTAGCACCAGGAAGTCTTGGCTGCCCATGATTTGATTTACAGCAAA-3'

ClinVar aggregate classification (germline): Uncertain significance (1 of 4 stars; one submission).

Conditions:
RASopathy. Also called: rasopathies; Noonan spectrum disorder. Identifiers: Orphanet 536391, MedGen C5555857, MONDO:0021060.

Submission:

Clinical Genomics Laboratory, Washington University in St. Louis
Classification: Uncertain significance for RASopathy. Last evaluated: 2026-02-18. Review status: criteria provided, single submitter. Criteria: Leon-Quintero et al. (Clin Genet. 2025). Collection method: clinical testing. Allele origin: somatic.
Comment: A SOS1 c.1465_1466insTTAAGAAAAGTTTTAAAGAAAAACTTTTAAAGAAACTTTTAAAGAAAA (p.Arg489delinsLeuLysLysSerPheLysGluLysLeuLeuLysLysLeuLeuLysLysSer) variant was identified at an allelic fraction consistent with somatic origin. This variant is predicted to cause a change in the length of the protein due to an in-frame insertion of sixteen amino acids in a non-repeat region. This exact variant, to our knowledge, has not been reported in the medical literature, however, several other in frame indels in this region of the SOS1 gene have been reported in individuals with Noonan syndrome (Lepri F et al., PMID: 21387466). It is absent from the general population (gnomAD v4.1.0), indicating it is not a common variant. The SOS1 c.1465_1466insTTAAGAAAAGTTTTAAAGAAAAACTTTTAAAGAAACTTTTAAAGAAAA (p.Arg489delinsLeuLysLysSerPheLysGluLysLeuLeuLysLysLeuLeuLysLysSer) variant resides within a region, the PH domain, of SOS1 that is defined as a critical functional domain (Gelb BD et al., PMID: 29493581). Based on available information and an internally developed protocol informed by the ACMG/AMP guidelines for variant interpretation and gene-specific practices from the ClinGen Criteria Specification Registry (Leon-Quintero FZ et al., PMID: 39434542), the SOS1 c.1465_1466insTTAAGAAAAGTTTTAAAGAAAAACTTTTAAAGAAACTTTTAAAGAAAA (p.Arg489delinsLeuLysLysSerPheLysGluLysLeuLeuLysLysLeuLeuLysLysSer) variant is classified as uncertain significance.